The following is an entry in ClinVar:

ClinVar aggregate classification (germline): Uncertain significance. Review status: criteria provided, multiple submitters, no conflicts (2 of 4 stars). 2 submissions from 2 submitters: Uncertain significance (2). Last evaluated 2025-04-07.

Allele frequency attached by ClinVar (database versions not stated): gnomAD 0.00002; TOPMed 0.00004.
gnomAD v4.1: 72 of 1,613,824 alleles (0.0045%); highest among the groups gnomAD compares: Non-Finnish European, 0.0055%; no homozygotes.

Submissions (2):

Ambry Genetics
Classification: Uncertain significance. Last evaluated: 2025-04-07. Review status: criteria provided, single submitter. Criteria: Ambry Variant Classification Scheme 2023. Collection method: clinical testing. Allele origin: germline.

Labcorp Genetics (formerly Invitae), Labcorp
Classification: Uncertain significance. Last evaluated: 2023-01-22. Review status: criteria provided, single submitter. Criteria: Invitae Variant Classification Sherloc (09022015). Collection method: clinical testing. Allele origin: germline.
Comment: In summary, the available evidence is currently insufficient to determine the role of this variant in disease. Therefore, it has been classified as a Variant of Uncertain Significance. Advanced modeling of protein sequence and biophysical properties (such as structural, functional, and spatial information, amino acid conservation, physicochemical variation, residue mobility, and thermodynamic stability) performed at Invitae indicates that this missense variant is not expected to disrupt SERPINB8 protein function. This variant has not been reported in the literature in individuals affected with SERPINB8-related conditions. This variant is present in population databases (rs760986937, gnomAD 0.007%). This sequence change replaces asparagine, which is neutral and polar, with serine, which is neutral and polar, at codon 363 of the SERPINB8 protein (p.Asn363Ser).

NM_002640.4(SERPINB8):c.1088A>G (p.Asn363Ser)

Gene: SERPINB8 (serpin family B member 8; plus strand). Cytogenetic location: 18q22.1.
Variant type: single nucleotide variant.
Coding change: c.1088A>G on transcript NM_002640.4 (MANE Select); coding-DNA position 1088, A replaced by G.
Protein change: p.Asn363Ser; replaces asparagine 363 with serine.
Molecular consequence: missense variant. On other transcripts: 3 prime UTR variant (2), non-coding transcript variant (1), intron variant (1).
Genome position (GRCh38, 1-based): chr18:63,987,241, A>G. VCF-style: chr18-63987241-A-G. GRCh37 (hg19) VCF-style: chr18-61654475-A-G.
Other names: c.542A>G, p.Asn181Ser (NM_001276490.2); c.*255A>G (NM_001348368.2, NM_001348369.2); c.548A>G, p.Asn183Ser (NM_001348370.2); c.1088A>G, p.Asn363Ser (NM_001366198.1, NM_198833.2); c.720+1996A>G (NM_001348367.2); c.1088A>G (NM_198833.1); short protein forms N181S, N363S, N183S.
Identifiers: ClinVar variation 2916309 (VCV002916309.3), dbSNP rs760986937, ClinGen allele CA8990953.